The following is an entry in ClinVar:

ClinVar aggregate classification (germline): Uncertain significance (1 of 4 stars; one submission).

Conditions:
Inborn genetic diseases. Identifiers: MedGen C0950123, MeSH D030342.

Submission:

Ambry Genetics
Classification: Uncertain significance for Inborn genetic diseases. Last evaluated: 2025-05-31. Review status: criteria provided, single submitter. Criteria: Ambry Variant Classification Scheme 2023. Collection method: clinical testing. Allele origin: germline.
Comment: The p.I449T variant (also known as c.1346T>C), located in coding exon 12 of the AKT1 gene, results from a T to C substitution at nucleotide position 1346. The isoleucine at codon 449 is replaced by threonine, an amino acid with similar properties. This amino acid position is conserved. In addition, the in silico prediction for this alteration is inconclusive. Based on the available evidence, the clinical significance of this variant remains unclear.

NM_001382430.1(AKT1):c.1346T>C (p.Ile449Thr)

Gene: AKT1 (AKT serine/threonine kinase 1; minus strand). Cytogenetic location: 14q32.33.
Variant type: single nucleotide variant.
Coding change: c.1346T>C on transcript NM_001382430.1 (MANE Select); coding-DNA position 1346, T replaced by C.
Protein change: p.Ile449Thr; replaces isoleucine 449 with threonine.
Molecular consequence: missense variant.
Genome position (GRCh38, 1-based): chr14:104,770,762, A>G on the plus strand (T>C on the coding strand, the complement: AKT1 is on the minus strand). VCF-style: chr14-104770762-A-G. GRCh37 (hg19) VCF-style: chr14-105237099-A-G.
Other names: c.1346T>C, p.Ile449Thr (NM_001014431.2, NM_001014432.2, NM_001382431.1 and 3 more transcripts); short protein forms I449T.
Identifiers: ClinVar variation 4036155 (VCV004036155.1).